The following is an entry in ClinVar:

ClinVar aggregate classification (germline): Pathogenic (1 of 4 stars; one submission).

Submission:

Labcorp Genetics (formerly Invitae), Labcorp
Classification: Pathogenic. Last evaluated: 2025-10-15. Review status: criteria provided, single submitter. Criteria: Invitae Variant Classification Sherloc (09022015). Collection method: clinical testing. Allele origin: germline.
Comment: This sequence change creates a premature translational stop signal (p.Ile41Argfs*69) in the C9 gene. It is expected to result in an absent or disrupted protein product. Loss-of-function variants in C9 are known to be pathogenic (PMID: 9144525, 9570574). This variant is present in population databases (rs759648259, gnomAD 0.04%). This variant has not been reported in the literature in individuals affected with C9-related conditions. ClinVar contains an entry for this variant (Variation ID: 3715577). For these reasons, this variant has been classified as Pathogenic.

Literature cited by the submitters: PubMed 9144525; PubMed 9570574.

NM_001737.5(C9):c.122_134del (p.Ile41fs)

Gene: C9 (complement C9; minus strand). Cytogenetic location: 5p13.1.
Variant type: Deletion.
Coding change: c.122_134del on transcript NM_001737.5 (MANE Select); coding-DNA positions 122 to 134, 13 bases deleted (TAGACTGCAGAAT).
Protein change: p.Ile41fs; shifts the reading frame from isoleucine 41.
Molecular consequence: frameshift variant.
Genome position (GRCh38, 1-based): chr5:39,342,140-39,342,152, ATTCTGCAGTCTA deleted on the plus strand (TAGACTGCAGAAT on the coding strand, the reverse complement: C9 is on the minus strand). VCF-style (leftmost placement, unchanged base first): chr5-39342139-CATTCTGCAGTCTA-C. GRCh37 (hg19) VCF-style: chr5-39342241-CATTCTGCAGTCTA-C.
Other names: short protein forms I41fs.
Identifiers: ClinVar variation 3715577 (VCV003715577.2).